The following is an entry in ClinVar:

NM_001401501.2(MUC16):c.38735dup (p.Gly12913fs)

Gene: MUC16 (mucin 16, cell surface associated; minus strand). Cytogenetic location: 19p13.2.
Variant type: Duplication.
Coding change: c.38735dup on transcript NM_001401501.2 (MANE Select); coding-DNA position 38735, one base duplicated (C; older notation c.38735dupC).
Protein change: p.Gly12913fs; shifts the reading frame from glycine 12913.
Molecular consequence: frameshift variant.
Genome position (GRCh38, 1-based): chr19:8,902,219, G duplicated on the plus strand (C on the coding strand, the reverse complement: MUC16 is on the minus strand). VCF-style (leftmost placement, unchanged base first): chr19-8902218-A-AG. GRCh37 (hg19) VCF-style: chr19-9012894-A-AG.
Other names: c.39161dup, p.Gly13055fs (NM_001414686.1); c.38615dup, p.Gly12873fs (NM_001414687.1); c.38549dup, p.Gly12851fs (NM_024690.2); c.38549dupC (NM_024690.2); short protein forms G12851fs, G12873fs, G12913fs, G13055fs.
Identifiers: ClinVar variation 3055355 (VCV003055355.2), dbSNP rs1440813244, ClinGen allele CA505284294.

ClinVar aggregate classification (germline): Benign (0 of 4 stars; one submission).

Conditions:
MUC16-related disorder. Also called: MUC16-related condition.

Submission:

PreventionGenetics, part of Exact Sciences
Classification: Benign for MUC16-related condition. Last evaluated: 2019-02-18. Review status: no assertion criteria provided. Collection method: clinical testing. Allele origin: germline.
Comment: This variant is classified as benign based on ACMG/AMP sequence variant interpretation guidelines (Richards et al. 2015 PMID: 25741868, with internal and published modifications).